The following is an entry in ClinVar:

ClinVar aggregate classification (germline): Uncertain significance. Review status: criteria provided, multiple submitters, no conflicts (2 of 4 stars). 2 submissions from 2 submitters: Uncertain significance (2). Last evaluated 2022-10-26.

Conditions:
Dystonic disorder. Also called: Dystonia. Identifiers: MedGen C0013421, MONDO:0003441, HP:0001332.

gnomAD v4.1: 20 of 1,535,908 alleles (0.0013%); highest among the groups gnomAD compares: African/African-American, 0.0027%; no homozygotes.

Submissions (2):

Labcorp Genetics (formerly Invitae), Labcorp
Classification: Uncertain significance for Dystonic disorder. Last evaluated: 2022-10-26. Review status: criteria provided, single submitter. Criteria: Invitae Variant Classification Sherloc (09022015). Collection method: clinical testing. Allele origin: germline.
Comment: In summary, the available evidence is currently insufficient to determine the role of this variant in disease. Therefore, it has been classified as a Variant of Uncertain Significance. Algorithms developed to predict the effect of missense changes on protein structure and function are either unavailable or do not agree on the potential impact of this missense change (SIFT: "Tolerated"; PolyPhen-2: "Possibly Damaging"; Align-GVGD: "Class C0"). This variant has not been reported in the literature in individuals affected with CIZ1-related conditions. This variant is present in population databases (rs759206711, gnomAD 0.003%). This sequence change replaces alanine, which is neutral and non-polar, with glycine, which is neutral and non-polar, at codon 833 of the CIZ1 protein (p.Ala833Gly).

Ambry Genetics
Classification: Uncertain significance. Last evaluated: 2022-10-04. Review status: criteria provided, single submitter. Criteria: Ambry Variant Classification Scheme 2023. Collection method: clinical testing. Allele origin: germline.

NM_001131016.2(CIZ1):c.2498C>G (p.Ala833Gly)

Gene: CIZ1 (CDKN1A interacting zinc finger protein 1; minus strand). Cytogenetic location: 9q34.11.
Variant type: single nucleotide variant.
Coding change: c.2498C>G on transcript NM_001131016.2 (MANE Select); coding-DNA position 2498, C replaced by G.
Protein change: p.Ala833Gly; replaces alanine 833 with glycine.
Molecular consequence: missense variant.
Genome position (GRCh38, 1-based): chr9:128,166,396, G>C on the plus strand (C>G on the coding strand, the complement: CIZ1 is on the minus strand). VCF-style: chr9-128166396-G-C. GRCh37 (hg19) VCF-style: chr9-130928675-G-C.
Other names: c.2330C>G, p.Ala777Gly (NM_001131015.2); c.2315C>G, p.Ala772Gly (NM_001131017.2); c.2258C>G, p.Ala753Gly (NM_001131018.2); c.2666C>G, p.Ala889Gly (NM_001257975.2); c.2195C>G, p.Ala732Gly (NM_001257976.2); c.2498C>G, p.Ala833Gly (NM_012127.3); short protein forms A732G, A772G, A833G, A753G, A777G, A889G.
Identifiers: ClinVar variation 2316668 (VCV002316668.5), dbSNP rs759206711, ClinGen allele CA200373520.